The following is an entry in ClinVar:

NM_006904.7(PRKDC):c.10586T>G (p.Ile3529Ser)

Gene: PRKDC (protein kinase, DNA-activated, catalytic subunit; minus strand). Cytogenetic location: 8q11.21.
Variant type: single nucleotide variant.
Coding change: c.10586T>G on transcript NM_006904.7 (MANE Select); coding-DNA position 10586, T replaced by G.
Protein change: p.Ile3529Ser; replaces isoleucine 3529 with serine.
Molecular consequence: missense variant.
Genome position (GRCh38, 1-based): chr8:47,794,374, A>C on the plus strand (T>G on the coding strand, the complement: PRKDC is on the minus strand). VCF-style: chr8-47794374-A-C. GRCh37 (hg19) VCF-style: chr8-48706935-A-C.
Other names: c.10586T>G, p.Ile3529Ser (NM_001081640.2); short protein forms I3529S.
Identifiers: ClinVar variation 1779066 (VCV001779066.2), dbSNP rs2551862009, ClinGen allele CA371133854.

ClinVar aggregate classification (germline): Uncertain significance (1 of 4 stars; one submission).

Submission:

Ambry Genetics
Classification: Uncertain significance. Last evaluated: 2022-01-26. Review status: criteria provided, single submitter. Criteria: Ambry Variant Classification Scheme 2023. Collection method: clinical testing. Allele origin: germline.
Comment: The p.I3529S variant (also known as c.10586T>G), located in coding exon 74 of the PRKDC gene, results from a T to G substitution at nucleotide position 10586. The isoleucine at codon 3529 is replaced by serine, an amino acid with dissimilar properties. This amino acid position is conserved. In addition, the in silico prediction for this alteration is inconclusive. Since supporting evidence is limited at this time, the clinical significance of this alteration remains unclear.